The following is an entry in ClinVar:

ClinVar aggregate classification (germline): Uncertain significance. Review status: criteria provided, multiple submitters, no conflicts (2 of 4 stars). 2 submissions from 2 submitters: Uncertain significance (2). Last evaluated 2026-08-02.

Conditions:
Fanconi anemia (FA). Also called: Fanconi's anemia. Identifiers: Orphanet 84, MedGen C0015625, MeSH D005199, MONDO:0019391.
Inborn genetic diseases. Identifiers: MedGen C0950123, MeSH D030342.

Submissions (2):

Ambry Genetics
Classification: Uncertain significance for Inborn genetic diseases. Last evaluated: 2026-08-02. Review status: criteria provided, single submitter. Criteria: Ambry Variant Classification Scheme 2023. Collection method: clinical testing. Allele origin: germline.
Comment: The p.D667H variant (also known as c.1999G>C), located in coding exon 11 of the FANCM gene, results from a G to C substitution at nucleotide position 1999. The aspartic acid at codon 667 is replaced by histidine, an amino acid with similar properties. This amino acid position is conserved. In addition, this alteration is predicted to be tolerated by in silico analysis. Based on the available evidence, the clinical significance of this variant remains unclear.

Labcorp Genetics (formerly Invitae), Labcorp
Classification: Uncertain significance for Fanconi anemia. Last evaluated: 2024-06-26. Review status: criteria provided, single submitter. Criteria: Invitae Variant Classification Sherloc (09022015). Collection method: clinical testing. Allele origin: germline.
Comment: This sequence change replaces aspartic acid, which is acidic and polar, with histidine, which is basic and polar, at codon 667 of the FANCM protein (p.Asp667His). This variant is present in population databases (no rsID available, gnomAD 0.003%). This variant has not been reported in the literature in individuals affected with FANCM-related conditions. An algorithm developed to predict the effect of missense changes on protein structure and function (PolyPhen-2) suggests that this variant is likely to be tolerated. In summary, the available evidence is currently insufficient to determine the role of this variant in disease. Therefore, it has been classified as a Variant of Uncertain Significance.

NM_020937.4(FANCM):c.1999G>C (p.Asp667His)

Gene: FANCM (FA complementation group M; plus strand). Cytogenetic location: 14q21.2.
Variant type: single nucleotide variant.
Coding change: c.1999G>C on transcript NM_020937.4 (MANE Select); coding-DNA position 1999, G replaced by C.
Protein change: p.Asp667His; replaces aspartic acid 667 with histidine.
Molecular consequence: missense variant.
Genome position (GRCh38, 1-based): chr14:45,167,160, G>C. VCF-style: chr14-45167160-G-C. GRCh37 (hg19) VCF-style: chr14-45636363-G-C.
Other names: c.1921G>C, p.Asp641His (NM_001308133.2); c.1999G>C, p.Asp667His (NM_001308134.2); short protein forms D641H, D667H.
Identifiers: ClinVar variation 3614439 (VCV003614439.3).